The following is an entry in ClinVar:

ClinVar aggregate classification (germline): Conflicting classifications of pathogenicity. Review status: criteria provided, conflicting classifications (1 of 4 stars). 3 submissions from 3 submitters: Pathogenic (1); Likely pathogenic (1); Uncertain significance (1). Last evaluated 2023-08-31.

Conditions:
IMPG1-related disorder. Also called: IMPG1-related condition.
Benign concentric annular macular dystrophy. Identifiers: Orphanet 251287, MedGen C5561925, MONDO:0007934, OMIM 153870.
Vitelliform macular dystrophy 4. Identifiers: Orphanet 99000, MedGen C4015342, MONDO:0014508, OMIM 616151.

Allele frequency attached by ClinVar (database versions not stated): gnomAD 0.00003 and 0.00004; TOPMed 0.00004; ExAC 0.00005; gnomAD exomes 0.00007; ESP Exome Variant Server 0.00023.
gnomAD v4.1: 186 of 1,612,552 alleles (0.012%); highest among the groups gnomAD compares: Non-Finnish European, 0.015%; no homozygotes.

Submissions (3):

Labcorp Genetics (formerly Invitae), Labcorp
Classification: Pathogenic. Last evaluated: 2023-08-31. Review status: criteria provided, single submitter. Criteria: Invitae Variant Classification Sherloc (09022015). Collection method: clinical testing. Allele origin: germline.
Comment: For these reasons, this variant has been classified as Pathogenic. ClinVar contains an entry for this variant (Variation ID: 1032753). This variant has not been reported in the literature in individuals affected with IMPG1-related conditions. This variant is present in population databases (rs147614663, gnomAD 0.01%). This sequence change creates a premature translational stop signal (p.Tyr612*) in the IMPG1 gene. It is expected to result in an absent or disrupted protein product. Loss-of-function variants in IMPG1 are known to be pathogenic (PMID: 23993198).

Department of Pathology and Laboratory Medicine, Sinai Health System
Classification: Uncertain significance for Benign concentric annular macular dystrophy; Vitelliform macular dystrophy 4. Last evaluated: 2023-01-11. Review status: criteria provided, single submitter. Criteria: ACMG Guidelines, 2015. Collection method: research. Allele origin: germline.

Blueprint Genetics
Classification: Likely pathogenic for IMPG1-related disorders. Last evaluated: 2021-12-28. Review status: criteria provided, single submitter. Criteria: ACMG Guidelines, 2015. Collection method: clinical testing. Allele origin: germline. Affected: yes. Observed: 4 variant alleles.

Literature cited by the submitters: PubMed 23993198 (cited by Labcorp Genetics (formerly Invitae), Labcorp).

NM_001563.4(IMPG1):c.1836T>G (p.Tyr612Ter)

Gene: IMPG1 (interphotoreceptor matrix proteoglycan 1; minus strand). Cytogenetic location: 6q14.1.
Variant type: single nucleotide variant.
Coding change: c.1836T>G on transcript NM_001563.4 (MANE Select); coding-DNA position 1836, T replaced by G.
Protein change: p.Tyr612Ter; replaces tyrosine 612 with a stop codon.
Molecular consequence: nonsense.
Genome position (GRCh38, 1-based): chr6:75,947,522, A>C on the plus strand (T>G on the coding strand, the complement: IMPG1 is on the minus strand). VCF-style: chr6-75947522-A-C. GRCh37 (hg19) VCF-style: chr6-76657239-A-C.
Other names: c.1602T>G, p.Tyr534Ter (NM_001282368.2); short protein forms Y534*, Y612*.
Identifiers: ClinVar variation 1032753 (VCV001032753.7), dbSNP rs147614663, ClinGen allele CA3898027.
Genomic context (GRCh38, chr6:75,947,522, plus strand): 5'-ACTCCCGTTTCTGAAGTTAAGTATTTCAAGTTGCTTAAATCCTGTAAGATTGGATCGTAG[A>C]TATGGAACCAGCTGCAAAATAAAAGATGGTTTCCTCTTAACTGTGTTCTAAGTGCTCAGC-3'